The following is an entry in ClinVar:

ClinVar aggregate classification (germline): Uncertain significance (1 of 4 stars; one submission).

Conditions:
Rhabdoid tumor predisposition syndrome 2 (RTPS2). Identifiers: Orphanet 231108, Orphanet 69077, MedGen C2750074, MONDO:0013224, OMIM 613325.

Submission:

Labcorp Genetics (formerly Invitae), Labcorp
Classification: Uncertain significance for Rhabdoid tumor predisposition syndrome 2. Last evaluated: 2022-10-14. Review status: criteria provided, single submitter. Criteria: Invitae Variant Classification Sherloc (09022015). Collection method: clinical testing. Allele origin: germline.
Comment: This variant results in a copy number gain of the genomic region encompassing exon(s) 17-36 of the SMARCA4 gene. This region includes the termination codon of the gene. This copy number gain extends beyond the assayed region for this gene and therefore may encompass additional genes. As the precise location of this event is unknown, it may be in tandem or it may be located elsewhere in the genome. This variant has not been reported in the literature in individuals affected with SMARCA4-related conditions. Experimental studies and prediction algorithms are not available or were not evaluated, and the functional significance of this variant is currently unknown. In summary, the available evidence is currently insufficient to determine the role of this variant in disease. Therefore, it has been classified as a Variant of Uncertain Significance.

NC_000019.9:g.(?_11129613)_(11172492_?)dup

Gene: SMARCA4 (SWI/SNF related BAF chromatin remodeling complex subunit ATPase 4; plus strand). Cytogenetic location: 19p13.2.
Variant type: Duplication.
Identifiers: ClinVar variation 2423777 (VCV002423777.3).